The following is an entry in ClinVar:

NM_001130009.3(GEN1):c.115C>T (p.Gln39Ter)

Gene: GEN1 (GEN1 structure-specific endonuclease; plus strand). Cytogenetic location: 2p24.2.
Variant type: single nucleotide variant.
Coding change: c.115C>T on transcript NM_001130009.3 (MANE Select); coding-DNA position 115, C replaced by T.
Protein change: p.Gln39Ter; replaces glutamine 39 with a stop codon.
Molecular consequence: nonsense.
Genome position (GRCh38, 1-based): chr2:17,760,058, C>T. VCF-style: chr2-17760058-C-T. GRCh37 (hg19) VCF-style: chr2-17941325-C-T.
Other names: c.115C>T, p.Gln39Ter (NM_182625.5); short protein forms Q39*.
Identifiers: ClinVar variation 3625310 (VCV003625310.2).

ClinVar aggregate classification (germline): Uncertain significance (1 of 4 stars; one submission).

Submission:

Labcorp Genetics (formerly Invitae), Labcorp
Classification: Uncertain significance. Last evaluated: 2024-03-28. Review status: criteria provided, single submitter. Criteria: Invitae Variant Classification Sherloc (09022015). Collection method: clinical testing. Allele origin: germline.
Comment: This sequence change creates a premature translational stop signal (p.Gln39*) in the GEN1 gene. It is expected to result in an absent or disrupted protein product. However, the current clinical and genetic evidence is not sufficient to establish whether loss-of-function variants in GEN1 cause disease. This variant is not present in population databases (gnomAD no frequency). This variant has not been reported in the literature in individuals affected with GEN1-related conditions. Algorithms developed to predict the effect of sequence changes on RNA splicing suggest that this variant may disrupt the consensus splice site. In summary, the available evidence is currently insufficient to determine the role of this variant in disease. Therefore, it has been classified as a Variant of Uncertain Significance.